The following is an entry in ClinVar:

ClinVar aggregate classification (germline): Uncertain significance. Review status: criteria provided, multiple submitters, no conflicts (2 of 4 stars). 2 submissions from 2 submitters: Uncertain significance (2). Last evaluated 2025-07-22.

Conditions:
Cardiovascular phenotype. Identifiers: MedGen CN230736.
Arrhythmogenic cardiomyopathy with wooly hair and keratoderma. Also called: PALMOPLANTAR KERATODERMA WITH LEFT VENTRICULAR CARDIOMYOPATHY AND WOOLLY HAIR; Carvajal syndrome; Dilated cardiomyopathy with woolly hair and keratoderma; Arrhythmogenic cardiomyopathy with woolly hair and keratoderma. Identifiers: Orphanet 65282, MedGen C1854063, MONDO:0011581, OMIM 605676.
Arrhythmogenic right ventricular dysplasia 8 (ARVD8). Also called: Arrhythmogenic Right Ventricular Dysplasia/Cardiomyopathy 8; ARRHYTHMOGENIC RIGHT VENTRICULAR DYSPLASIA, FAMILIAL, 8; ARRHYTHMOGENIC RIGHT VENTRICULAR CARDIOMYOPATHY 8. Identifiers: MedGen C1843896, MONDO:0011831, OMIM 607450.

Submissions (2):

Ambry Genetics
Classification: Uncertain significance for Cardiovascular phenotype. Last evaluated: 2025-07-22. Review status: criteria provided, single submitter. Criteria: Ambry Variant Classification Scheme 2023. Collection method: clinical testing. Allele origin: germline.
Comment: The c.7689_7694dupGAAAAA variant (also known as p.K2564_N2565insKK), located in coding exon 24 of the DSP gene, results from an in-frame duplication of GAAAAA at nucleotide positions 7689 to 7694. This results in the duplication of 2 extra residues (KK) between codons 2564 and 2565. This amino acid position is not well conserved in available vertebrate species. In addition, this variant is predicted to be neutral by in silico analysis (Choi Y et al. PLoS ONE. 2012; 7(10):e46688). Based on the available evidence, the clinical significance of this variant remains unclear.

Labcorp Genetics (formerly Invitae), Labcorp
Classification: Uncertain significance for Arrhythmogenic cardiomyopathy with wooly hair and keratoderma; Arrhythmogenic right ventricular dysplasia 8. Last evaluated: 2016-10-12. Review status: criteria provided, single submitter. Criteria: Invitae Variant Classification Sherloc (09022015). Collection method: clinical testing. Allele origin: germline.
Comment: In summary, this is a rare in-frame 2-codon gain with unknown impact on protein function. There is no indication that this variant causes disease, but the evidence is insufficient at this time to prove that conclusively. Therefore, it has been classified as a Variant of Uncertain Significance This variant is not present in population databases (ExAC no frequency) and has not been reported in the literature in individuals with a DSP-related disease. This sequence change inserts 6 nucleotides in exon 24 of the DSP mRNA (c.7689_7694dupGAAAAA). This leads to the insertion of 2 amino acid residue(s) in the DSP protein (p.Lys2564_Asn2565insLysLys) but otherwise preserves the integrity of the reading frame.

NM_004415.4(DSP):c.7689_7694dup (p.Lys2564_Asn2565insLysLys)

Gene: DSP (desmoplakin; plus strand). Cytogenetic location: 6p24.3.
Variant type: Duplication.
Coding change: c.7689_7694dup on transcript NM_004415.4 (MANE Select); coding-DNA positions 7689 to 7694, 6 bases duplicated (GAAAAA; older notation c.7689_7694dupGAAAAA).
Protein change: p.Lys2564_Asn2565insLysLys.
Molecular consequence: inframe insertion.
Genome position (GRCh38, 1-based): chr6:7,584,951-7,584,956, GAAAAA duplicated. VCF-style (leftmost placement, unchanged base first): chr6-7584950-T-TGAAAAA. GRCh37 (hg19) VCF-style: chr6-7585183-T-TGAAAAA.
Other names: c.5892_5897dup, p.Lys1965_Asn1966insLysLys (NM_001008844.3); c.6360_6365dup, p.Lys2121_Asn2122insLysLys (NM_001319034.2).
Identifiers: ClinVar variation 405242 (VCV000405242.8), dbSNP rs1554109062, ClinGen allele CA16612051.